The following is an entry in ClinVar:

ClinVar aggregate classification (germline): Likely pathogenic (1 of 4 stars; one submission).

Submission:

GeneDx
Classification: Likely pathogenic. Last evaluated: 2023-11-03. Review status: criteria provided, single submitter. Criteria: GeneDx Variant Classification Process June 2021. Collection method: clinical testing. Allele origin: germline. Affected: yes.
Comment: Nonsense variant predicted to result in protein truncation, as the last 117 amino acids are lost, and other loss-of-function variants have been reported downstream in HGMD; Not observed at significant frequency in large population cohorts (gnomAD); Has not been previously published as pathogenic or benign to our knowledge

NM_005430.4(WNT1):c.761C>A (p.Ser254Ter)

Gene: WNT1 (Wnt family member 1; plus strand). Cytogenetic location: 12q13.12.
Variant type: single nucleotide variant.
Coding change: c.761C>A on transcript NM_005430.4 (MANE Select); coding-DNA position 761, C replaced by A.
Protein change: p.Ser254Ter; replaces serine 254 with a stop codon.
Molecular consequence: nonsense.
Genome position (GRCh38, 1-based): chr12:48,981,288, C>A. VCF-style: chr12-48981288-C-A. GRCh37 (hg19) VCF-style: chr12-49375071-C-A.
Other names: short protein forms S254*.
Identifiers: ClinVar variation 3363636 (VCV003363636.1).